The following is an entry in ClinVar:

ClinVar aggregate classification (germline): Conflicting classifications of pathogenicity. Review status: criteria provided, conflicting classifications (1 of 4 stars). 11 submissions from 11 submitters: Uncertain significance (7); Likely benign (1). 3 of the submissions do not count toward it. Last evaluated 2025-11-04.

Conditions:
BRCA2-related cancer predisposition. Identifiers: MedGen CN377758, MONDO:0700269.
Hereditary cancer-predisposing syndrome. Also called: Tumor predisposition; Neoplastic Syndromes, Hereditary; Hereditary neoplastic syndrome; Hereditary Cancer Syndrome. Identifiers: Orphanet 140162, MedGen C0027672, MeSH D009386, MONDO:0015356.
Hereditary breast ovarian cancer syndrome. Also called: Hereditary breast and ovarian cancer; Hereditary breast and ovarian cancer syndrome (HBOC); Hereditary breast and/or ovarian cancer syndrome; Breast and ovarian cancer; Hereditary breast and ovarian cancer syndrome; BRCA1- and BRCA2-Associated Hereditary Breast and Ovarian Cancer. Identifiers: Orphanet 145, MedGen C0677776, MeSH D061325, MONDO:0003582. Disease mechanism: loss of function.
Breast-ovarian cancer, familial, susceptibility to, 2 (BROVCA2). Also called: BRCA2 Hereditary Breast and Ovarian Cancer. Identifiers: Orphanet 145, MedGen C2675520, MONDO:0012933, OMIM 612555. Disease mechanism: loss of function.
Familial cancer of breast. Also called: Hereditary breast cancer; BREAST CANCER, FAMILIAL; hereditary breast carcinoma. Identifiers: Orphanet 227535, MedGen C0346153, MONDO:0016419, OMIM 114480. Disease mechanism: loss of function.

gnomAD v4.1: 4 of 1,613,974 alleles (0.00025%); highest among the groups gnomAD compares: East Asian, 0.0067%; no homozygotes.

Submissions (11):

Labcorp Genetics (formerly Invitae), Labcorp
Classification: Likely benign for Hereditary breast ovarian cancer syndrome. Last evaluated: 2025-11-04. Review status: criteria provided, single submitter. Criteria: Invitae Variant Classification Sherloc (09022015). Collection method: clinical testing. Allele origin: germline.

Ambry Genetics
Classification: Uncertain significance for Hereditary cancer-predisposing syndrome. Last evaluated: 2025-03-19. Review status: criteria provided, single submitter. Criteria: Ambry Variant Classification Scheme 2023. Collection method: clinical testing. Allele origin: germline.
Comment: The p.L184P variant (also known as c.551T>C), located in coding exon 6 of the BRCA2 gene, results from a T to C substitution at nucleotide position 551. The leucine at codon 184 is replaced by proline, an amino acid with similar properties. This variant has been identified amongst multiple Japanese cohorts with personal histories of ovarian, pancreatic, breast, or prostate cancer (Sekine M et al. Clin. Cancer Res. 2001 Oct;7(10):3144-50; Arai M et al. J. Hum. Genet. 2018 Apr;63:447-457; Takeuchi S et al. Sci Rep. 2018 05;8:8105; Momozawa Y et al. Nat Commun. 2018 10;9:4083; Momozawa Y et al. J Natl Cancer Inst, 2020 Apr;112:369-376). This amino acid position is highly conserved in available vertebrate species. In addition, the in silico prediction for this alteration is inconclusive. Based on the available evidence, the clinical significance of this variant remains unclear.

All of Us Research Program, National Institutes of Health
Classification: Uncertain significance for BRCA2-related cancer predisposition. Last evaluated: 2024-02-22. Review status: criteria provided, single submitter. Criteria: ACMG Guidelines, 2015. Collection method: clinical testing. Allele origin: germline. Inheritance: Autosomal dominant inheritance. Observed: 1 variant allele, 1 heterozygote.
Comment: This missense variant replaces leucine with proline at codon 184 of the BRCA2 protein. Computational prediction suggests that this variant may not impact protein structure and function. To our knowledge, functional studies have not been reported for this variant. This variant has been reported in an individual with a personal or family history of breast and/or ovarian cancer (PMID: 11595708). This variant has also been detected in both cohorts of breast, pancreatic and prostate cancer case-controls studies in the Japanese population, in which disease association could not be established (PMID: 30287823, 31214711, 31214711). This variant has not been identified in the general population by the Genome Aggregation Database (gnomAD). The available evidence is insufficient to determine the role of this variant in disease conclusively. Therefore, this variant is classified as a Variant of Uncertain Significance.

This study involves interpretation of variants in research participants for the purpose of population health screening. Participant phenotype was not available at the time of variant classification. Additional details can be found in publication PMID: 35346344, PMCID: PMC8962531

Color Diagnostics, LLC DBA Color Health
Classification: Uncertain significance for Hereditary cancer-predisposing syndrome. Last evaluated: 2024-02-07. Review status: criteria provided, single submitter. Criteria: ACMG Guidelines, 2015. Collection method: clinical testing. Allele origin: germline.
Comment: This missense variant replaces leucine with proline at codon 184 of the BRCA2 protein. Computational prediction suggests that this variant may not impact protein structure and function. To our knowledge, functional studies have not been reported for this variant. This variant has been reported in an individual with a personal or family history of breast and/or ovarian cancer (PMID: 11595708). This variant has also been detected in both cohorts of breast, pancreatic and prostate cancer case-controls studies in the Japanese population, in which disease association could not be established (PMID: 30287823, 31214711, 31214711). This variant has not been identified in the general population by the Genome Aggregation Database (gnomAD). The available evidence is insufficient to determine the role of this variant in disease conclusively. Therefore, this variant is classified as a Variant of Uncertain Significance.

Baylor Genetics
Classification: Uncertain significance for Familial cancer of breast. Last evaluated: 2023-12-05. Review status: criteria provided, single submitter. Criteria: ACMG Guidelines, 2015. Collection method: clinical testing. Allele origin: unknown.

Women's Health and Genetics/Laboratory Corporation of America, LabCorp
Classification: Uncertain significance. Last evaluated: 2022-06-13. Review status: criteria provided, single submitter. Criteria: LabCorp Variant Classification Summary - May 2015. Collection method: clinical testing. Allele origin: germline.
Comment: Variant summary: BRCA2 c.551T>C (p.Leu184Pro) results in a non-conservative amino acid change in the encoded protein sequence. Four of five in-silico tools predict a damaging effect of the variant on protein function. The variant was absent in 251408 control chromosomes (gnomAD). The available data on variant occurrences in the general population are insufficient to allow any conclusion about variant significance. c.551T>C has been reported in the literature in individuals affected with Breast and/or Ovarian Cancer and pancreatic cancer (example: Arai_2018, Sekine_2001, Takeuchi_2018 and Momozawa_2018) and unaffected controls (Momozawa_2018). These reports do not provide unequivocal conclusions about association of the variant with Hereditary Breast And Ovarian Cancer Syndrome. Using a minigene assay Di Giacomo_2013 demonstrated this variant does not lead to exon skipping. Six clinical diagnostic laboratories have submitted clinical-significance assessments for this variant to ClinVar after 2014 and classified the variant as VUS (n=5) and likely benign (n=1). Based on the evidence outlined above, the variant was classified as uncertain significance.

GeneDx
Classification: Uncertain significance. Last evaluated: 2018-09-19. Review status: criteria provided, single submitter. Criteria: GeneDx Variant Classification (06012015). Collection method: clinical testing. Allele origin: germline. Affected: yes.
Comment: This variant is denoted BRCA2 c.551T>C at the cDNA level, p.Leu184Pro (L184P) at the protein level, and results in the change of a Leucine to a Proline (CTA>CCA). Using alternate nomenclature, this variant would be defined as BRCA2 779T>C. This variant was reported to not increase exon skipping in a minigene reporter assay (Di Giacomo 2013). BRCA2 Leu184Pro was not observed in large population cohorts (Lek 2016). This variant is not located in a known functional domain. In silico analysis, which includes protein predictors and evolutionary conservation, supports that this variant does not alter protein structure/function. Based on currently available evidence, it is unclear whether BRCA2 Leu184Pro is a pathogenic or benign variant. We consider it to be a variant of uncertain significance.

Fulgent Genetics
Classification: Uncertain significance for Breast-ovarian cancer, familial, susceptibility to, 2. Last evaluated: 2016-01-27. Review status: criteria provided, single submitter. Criteria: ACMG Guidelines, 2015. Collection method: clinical testing. Allele origin: unknown.

Counsyl
Classification: Uncertain significance for Breast-ovarian cancer, familial, susceptibility to, 2. Last evaluated: 2017-09-20. Review status: no assertion criteria provided. Collection method: clinical testing. Allele origin: unknown. Not counted in ClinVar's aggregate classification.

Sharing Clinical Reports Project (SCRP)
Classification: Likely benign for Breast-ovarian cancer, familial 2. Last evaluated: 2012-10-24. Review status: no assertion criteria provided. Collection method: clinical testing. Allele origin: germline. Not counted in ClinVar's aggregate classification.

Breast Cancer Information Core (BIC) (BRCA2)
Classification: Uncertain significance for Breast-ovarian cancer, familial 2. Review status: no assertion criteria provided. Collection method: clinical testing. Allele origin: germline. Affected: yes. Observed: 1 variant allele. Not counted in ClinVar's aggregate classification.

Literature cited by the submitters: PubMed 29176636 (cited by Ambry Genetics and Women's Health and Genetics/Laboratory Corporation of America, LabCorp); PubMed 29802286 (cited by Ambry Genetics and Women's Health and Genetics/Laboratory Corporation of America, LabCorp); PubMed 30287823 (cited by 4 submitters); PubMed 31214711 (cited by 3 submitters); PubMed 11595708 (cited by 4 submitters); PubMed 23983145 (cited by Women's Health and Genetics/Laboratory Corporation of America, LabCorp and Counsyl).

NM_000059.4(BRCA2):c.551T>C (p.Leu184Pro)

Gene: BRCA2 (BRCA2 DNA repair associated; plus strand). Cytogenetic location: 13q13.1.
Variant type: single nucleotide variant.
Coding change: c.551T>C on transcript NM_000059.4 (MANE Select); coding-DNA position 551, T replaced by C.
Protein change: p.Leu184Pro; replaces leucine 184 with proline.
Molecular consequence: missense variant.
Genome position (GRCh38, 1-based): chr13:32,326,533, T>C. VCF-style: chr13-32326533-T-C. GRCh37 (hg19) VCF-style: chr13-32900670-T-C.
Other names: p.L184P:CTA>CCA; 779T>C; short protein forms L184P.
Identifiers: ClinVar variation 37971 (VCV000037971.24), dbSNP rs80358775, ClinGen allele CA022493.